The following is an entry in ClinVar:

NM_001242896.3(DEPDC5):c.2210G>A (p.Cys737Tyr)

Gene: DEPDC5 (DEP domain containing 5, GATOR1 subcomplex subunit; plus strand). Cytogenetic location: 22q12.3.
Variant type: single nucleotide variant.
Coding change: c.2210G>A on transcript NM_001242896.3 (MANE Select); coding-DNA position 2210, G replaced by A.
Protein change: p.Cys737Tyr; replaces cysteine 737 with tyrosine.
Molecular consequence: missense variant. On other transcripts: non-coding transcript variant (4).
Genome position (GRCh38, 1-based): chr22:31,837,011, G>A. VCF-style: chr22-31837011-G-A. GRCh37 (hg19) VCF-style: chr22-32232997-G-A.
Other names: c.2183G>A, p.Cys728Tyr (NM_001136029.4, NM_001369903.1, NM_014662.6); c.1976G>A, p.Cys659Tyr (NM_001242897.2, NM_001363854.2, NM_001364319.2); c.2210G>A, p.Cys737Tyr (NM_001363852.2, NM_001364318.2, NM_001364320.2); c.2126G>A, p.Cys709Tyr (NM_001369901.1, NM_001369902.1); short protein forms C728Y, C737Y, C709Y, C659Y.
Identifiers: ClinVar variation 2751567 (VCV002751567.3), dbSNP rs2519877650, ClinGen allele CA411285186.

ClinVar aggregate classification (germline): Uncertain significance (1 of 4 stars; one submission).

Conditions:
Familial focal epilepsy with variable foci (FPEVF). Identifiers: Orphanet 98820, MedGen C1858477, MONDO:0020310.

Submission:

Labcorp Genetics (formerly Invitae), Labcorp
Classification: Uncertain significance for Familial focal epilepsy with variable foci. Last evaluated: 2023-08-10. Review status: criteria provided, single submitter. Criteria: Invitae Variant Classification Sherloc (09022015). Collection method: clinical testing. Allele origin: germline.
Comment: This variant has not been reported in the literature in individuals affected with DEPDC5-related conditions. This sequence change replaces cysteine, which is neutral and slightly polar, with tyrosine, which is neutral and polar, at codon 737 of the DEPDC5 protein (p.Cys737Tyr). This variant is not present in population databases (gnomAD no frequency). Experimental studies and prediction algorithms are not available or were not evaluated, and the functional significance of this variant is currently unknown. In summary, the available evidence is currently insufficient to determine the role of this variant in disease. Therefore, it has been classified as a Variant of Uncertain Significance.